The following is an entry in ClinVar:

ClinVar aggregate classification (germline): Uncertain significance (1 of 4 stars; one submission).

Allele frequency attached by ClinVar (database versions not stated): 1000 Genomes Project 30x 0.00016; 1000 Genomes Project 0.00020.
gnomAD v4.1: 3 of 1,552,186 alleles (0.00019%); highest among the groups gnomAD compares: East Asian, 0.0073%; no homozygotes.

Submission:

Labcorp Genetics (formerly Invitae), Labcorp
Classification: Uncertain significance. Last evaluated: 2023-08-04. Review status: criteria provided, single submitter. Criteria: Invitae Variant Classification Sherloc (09022015). Collection method: clinical testing. Allele origin: germline.
Comment: An algorithm developed to predict the effect of missense changes on protein structure and function (PolyPhen-2) suggests that this variant is likely to be disruptive. In summary, the available evidence is currently insufficient to determine the role of this variant in disease. Therefore, it has been classified as a Variant of Uncertain Significance. This sequence change replaces aspartic acid, which is acidic and polar, with glutamic acid, which is acidic and polar, at codon 558 of the MYO18B protein (p.Asp558Glu). ClinVar contains an entry for this variant (Variation ID: 1958904). This variant has not been reported in the literature in individuals affected with MYO18B-related conditions. This variant is not present in population databases (gnomAD no frequency).

NM_032608.7(MYO18B):c.1674T>A (p.Asp558Glu)

Gene: MYO18B (myosin XVIIIB; plus strand). Cytogenetic location: 22q12.1.
Variant type: single nucleotide variant.
Coding change: c.1674T>A on transcript NM_032608.7 (MANE Select); coding-DNA position 1674, T replaced by A.
Protein change: p.Asp558Glu; replaces aspartic acid 558 with glutamic acid.
Molecular consequence: missense variant.
Genome position (GRCh38, 1-based): chr22:25,770,966, T>A. VCF-style: chr22-25770966-T-A. GRCh37 (hg19) VCF-style: chr22-26166933-T-A.
Other names: c.1674T>A, p.Asp558Glu (NM_001318245.2); short protein forms D558E.
Identifiers: ClinVar variation 1958904 (VCV001958904.5), dbSNP rs571730713, ClinGen allele CA322781457.
Genomic context (GRCh38, chr22:25,770,966, plus strand): 5'-CCTGCCAGCAGGAAGGGTGAGACTTTGGATTGATGCTGACAAAACCATCACTGAGGTGGA[T>A]GAGGAGCATGTCCATCGGGTGAGTCCCCTGTCCCGCCGTCCCCCAGCATGAGTCCCCTGT-3'
Protein context (NP_115997.5, residues 548-568): IDADKTITEV[Asp558Glu]EEHVHRANPP